The following is an entry in ClinVar:

NM_000843.4(GRM6):c.1941C>T (p.Ala647=)

Genes: GRM6 (glutamate metabotropic receptor 6; minus strand), ZNF454 (zinc finger protein 454; plus strand). Cytogenetic location: 5q35.3.
Variant type: single nucleotide variant.
Coding change: c.1941C>T on transcript NM_000843.4 (MANE Select); coding-DNA position 1941, C replaced by T.
Protein change: p.Ala647=; no amino-acid change (alanine 647 retained).
Molecular consequence: synonymous variant.
Genome position (GRCh38, 1-based): chr5:178,986,313, G>A on the plus strand (C>T on the coding strand, the complement: GRM6 is on the minus strand). VCF-style: chr5-178986313-G-A. GRCh37 (hg19) VCF-style: chr5-178413314-G-A.
Other names: c.1941C>T (NM_000843.3).
Identifiers: ClinVar variation 1081277 (VCV001081277.12), dbSNP rs149210562, ClinGen allele CA3593883.

ClinVar aggregate classification (germline): Likely benign. Review status: criteria provided, multiple submitters, no conflicts (2 of 4 stars). 4 submissions from 4 submitters: Likely benign (4). Last evaluated 2026-06-15.

Conditions:
GRM6-related disorder. Also called: GRM6-related condition.

Allele frequency attached by ClinVar (database versions not stated): 1000 Genomes Project 30x 0.00016; ESP Exome Variant Server 0.00038; gnomAD exomes 0.00038 and 0.00027; gnomAD 0.00042 and 0.00043; TOPMed 0.00042; 1000 Genomes Project 0.00020; ExAC 0.00026.
gnomAD v4.1: 612 of 1,614,040 alleles (0.038%); highest among the groups gnomAD compares: African/African-American, 0.085%; 1 homozygote.

Submissions (4):

PreventionGenetics, part of Exact Sciences
Classification: Likely benign for GRM6-related condition. Last evaluated: 2026-06-15. Review status: criteria provided, single submitter. Criteria: ACMG Guidelines, 2015. Collection method: clinical testing. Allele origin: germline.
Comment: This variant is classified as likely benign based on ACMG/AMP sequence variant interpretation guidelines (Richards et al. 2015 PMID: 25741868, with internal and published modifications).

Labcorp Genetics (formerly Invitae), Labcorp
Classification: Likely benign. Last evaluated: 2026-01-02. Review status: criteria provided, single submitter. Criteria: Invitae Variant Classification Sherloc (09022015). Collection method: clinical testing. Allele origin: germline.

Blueprint Genetics
Classification: Likely benign. Last evaluated: 2024-10-30. Review status: criteria provided, single submitter. Criteria: ACMG Guidelines, 2015. Collection method: clinical testing. Allele origin: germline.

Breakthrough Genomics
Classification: Likely benign. Review status: criteria provided, single submitter. Criteria: ACMG Guidelines, 2015. Collection method: not provided. Allele origin: germline. Inheritance: Autosomal recessive inheritance. Affected: yes.